The following is an entry in ClinVar:

NM_000258.3(MYL3):c.193C>A (p.Pro65Thr)

Gene: MYL3 (myosin light chain 3; minus strand). Cytogenetic location: 3p21.31.
Variant type: single nucleotide variant.
Coding change: c.193C>A on transcript NM_000258.3 (MANE Select); coding-DNA position 193, C replaced by A.
Protein change: p.Pro65Thr; replaces proline 65 with threonine.
Molecular consequence: missense variant.
Genome position (GRCh38, 1-based): chr3:46,860,790, G>T on the plus strand (C>A on the coding strand, the complement: MYL3 is on the minus strand). VCF-style: chr3-46860790-G-T. GRCh37 (hg19) VCF-style: chr3-46902280-G-T.
Other names: c.193C>A, p.Pro65Thr (NM_001406937.1, NM_001406938.1, NM_001406939.1); c.19C>A, p.Pro7Thr (NM_001406940.1, NM_001406941.1); short protein forms P65T, P7T.
Identifiers: ClinVar variation 3073820 (VCV003073820.2), dbSNP rs730880960, ClinGen allele CA352498523.

ClinVar aggregate classification (germline): Uncertain significance. Review status: criteria provided, multiple submitters, no conflicts (2 of 4 stars). 2 submissions from 2 submitters: Uncertain significance (2). Last evaluated 2025-11-10.

Conditions:
Hypertrophic cardiomyopathy. Also called: HYPERTROPHIC MYOCARDIOPATHY. Identifiers: Orphanet 217569, MedGen C0007194, MeSH D002312, MONDO:0005045, HP:0001639.

gnomAD v4.1: 1 of 1,614,118 alleles (0.000062%); highest among the groups gnomAD compares: Admixed American, 0.0017%; no homozygotes.

Submissions (2):

Labcorp Genetics (formerly Invitae), Labcorp
Classification: Uncertain significance for Hypertrophic cardiomyopathy. Last evaluated: 2025-11-10. Review status: criteria provided, single submitter. Criteria: Invitae Variant Classification Sherloc (09022015). Collection method: clinical testing. Allele origin: germline.
Comment: This sequence change replaces proline, which is neutral and non-polar, with threonine, which is neutral and polar, at codon 65 of the MYL3 protein (p.Pro65Thr). This variant is present in population databases (no rsID available, gnomAD 0.003%). This variant has not been reported in the literature in individuals affected with MYL3-related conditions. ClinVar contains an entry for this variant (Variation ID: 3073820). An algorithm developed to predict the effect of missense changes on protein structure and function (PolyPhen-2) suggests that this variant is likely to be disruptive. In summary, the available evidence is currently insufficient to determine the role of this variant in disease. Therefore, it has been classified as a Variant of Uncertain Significance.

All of Us Research Program, National Institutes of Health
Classification: Uncertain significance for Hypertrophic cardiomyopathy. Last evaluated: 2023-10-06. Review status: criteria provided, single submitter. Criteria: ACMG Guidelines, 2015. Collection method: clinical testing. Allele origin: germline. Inheritance: Autosomal dominant inheritance. Observed: 1 variant allele, 1 heterozygote.
Comment: This missense variant replaces proline with threonine at codon 65 of the MYL3 protein. Computational prediction is inconclusive regarding the impact of this variant on protein structure and function (internally defined REVEL score threshold 0.5 < inconclusive < 0.7, PMID: 27666373). To our knowledge, functional studies have not been reported for this variant. This variant has not been reported in individuals affected with MYL3-related disorders in the literature. This variant has been identified in 1/251472 chromosomes in the general population by the Genome Aggregation Database (gnomAD). The available evidence is insufficient to determine the role of this variant in disease conclusively. Therefore, this variant is classified as a Variant of Uncertain Significance.

This study involves interpretation of variants in research participants for the purpose of population health screening. Participant phenotype was not available at the time of variant classification. Additional details can be found in publication PMID: 35346344, PMCID: PMC8962531